The following is an entry in ClinVar:

ClinVar aggregate classification (germline): Uncertain significance (1 of 4 stars; one submission).

Allele frequency attached by ClinVar (database versions not stated): TOPMed below 0.00001.

Submission:

Ambry Genetics
Classification: Uncertain significance. Last evaluated: 2023-01-11. Review status: criteria provided, single submitter. Criteria: Ambry Variant Classification Scheme 2023. Collection method: clinical testing. Allele origin: germline.
Comment: The p.Q2441E variant (also known as c.7321C>G), located in coding exon 27 of the POLQ gene, results from a C to G substitution at nucleotide position 7321. The glutamine at codon 2441 is replaced by glutamic acid, an amino acid with highly similar properties. This amino acid position is conserved. In addition, the in silico prediction for this alteration is inconclusive. Since supporting evidence is limited at this time, the clinical significance of this alteration remains unclear.

NM_199420.4(POLQ):c.7321C>G (p.Gln2441Glu)

Gene: POLQ (DNA polymerase theta; minus strand). Cytogenetic location: 3q13.33.
Variant type: single nucleotide variant.
Coding change: c.7321C>G on transcript NM_199420.4 (MANE Select); coding-DNA position 7321, C replaced by G.
Protein change: p.Gln2441Glu; replaces glutamine 2441 with glutamic acid.
Molecular consequence: missense variant.
Genome position (GRCh38, 1-based): chr3:121,440,060, G>C on the plus strand (C>G on the coding strand, the complement: POLQ is on the minus strand). VCF-style: chr3-121440060-G-C. GRCh37 (hg19) VCF-style: chr3-121158907-G-C.
Other names: short protein forms Q2441E.
Identifiers: ClinVar variation 2448975 (VCV002448975.2), dbSNP rs777186145, ClinGen allele CA354098425.
Genomic context (GRCh38, chr3:121,440,060, plus strand): 5'-TACGATAAGGGTTGTTGTCTTTGATTCCTGGCAAATATCTACGCCTTCCCAAAATGGTCT[G>C]AACAAATCCGTCTCTTTTACAATTCTTCACTGTCTCTGTCATGAATTGATTAATCCCTAC-3'
Protein context (NP_955452.3, residues 2431-2451): VKNCKRDGFV[Gln2441Glu]TILGRRRYLP